The following is an entry in ClinVar:

NM_031935.3(HMCN1):c.13057G>A (p.Gly4353Ser)

Gene: HMCN1 (hemicentin 1; plus strand). Cytogenetic location: 1q31.1.
Variant type: single nucleotide variant.
Coding change: c.13057G>A on transcript NM_031935.3 (MANE Select); coding-DNA position 13057, G replaced by A.
Protein change: p.Gly4353Ser; replaces glycine 4353 with serine.
Molecular consequence: missense variant.
Genome position (GRCh38, 1-based): chr1:186,130,524, G>A. VCF-style: chr1-186130524-G-A. GRCh37 (hg19) VCF-style: chr1-186099656-G-A.
Other names: short protein forms G4353S.
Identifiers: ClinVar variation 2099437 (VCV002099437.4), dbSNP rs1661874972, ClinGen allele CA343907948.
Genomic context (GRCh38, chr1:186,130,524, plus strand): 5'-AGCACTTACTTTTACTTTGTACCTGTCTTATGTTGTTTTCCAGAACCTCCAGTCTTCAAA[G>A]GTGATTATCCTTCTAACTGGATTGAACCACTTGGTGGGAATGCAATCCTGAATTGTGAGG-3'
Protein context (NP_114141.2, residues 4343-4363): VYVKEPPVFK[Gly4353Ser]DYPSNWIEPL

ClinVar aggregate classification (germline): Uncertain significance (1 of 4 stars; one submission).

Allele frequency attached by ClinVar (database versions not stated): gnomAD exomes below 0.00001.
gnomAD v4.1: 1 of 1,613,358 alleles (0.000062%); highest among the groups gnomAD compares: Middle Eastern, 0.017%; no homozygotes.

Submission:

Labcorp Genetics (formerly Invitae), Labcorp
Classification: Uncertain significance. Last evaluated: 2022-02-19. Review status: criteria provided, single submitter. Criteria: Invitae Variant Classification Sherloc (09022015). Collection method: clinical testing. Allele origin: germline.
Comment: In summary, the available evidence is currently insufficient to determine the role of this variant in disease. Therefore, it has been classified as a Variant of Uncertain Significance. Algorithms developed to predict the effect of missense changes on protein structure and function output the following: SIFT: "Deleterious"; PolyPhen-2: "Probably Damaging"; Align-GVGD: "Class C55". The serine amino acid residue is found in multiple mammalian species, which suggests that this missense change does not adversely affect protein function. This variant has not been reported in the literature in individuals affected with HMCN1-related conditions. This variant is not present in population databases (gnomAD no frequency). This sequence change replaces glycine, which is neutral and non-polar, with serine, which is neutral and polar, at codon 4353 of the HMCN1 protein (p.Gly4353Ser).